The following is an entry in ClinVar:

ClinVar aggregate classification (germline): Likely pathogenic (1 of 4 stars; one submission).

Conditions:
Becker muscular dystrophy, Cardiomyopathy, Duchenne muscular dystrophy, Dystrophin deficiency.

gnomAD v4.1: 1 of 1,209,799 alleles (0.000083%); highest among the groups gnomAD compares: Non-Finnish European, 0.00011%; no homozygotes.

Submission:

Natera, Inc.
Classification: Likely pathogenic for Becker muscular dystrophy, Cardiomyopathy, Duchenne muscular dystrophy, Dystrophin deficiency. Last evaluated: 2025-02-28. Review status: criteria provided, single submitter. Criteria: Natera Variant Classification Schema (03/2026). Collection method: clinical testing. Allele origin: germline.
Comment: The c.1993-2A>T variant in DMD is a canonical splice acceptor site variant predicted to affect pre-mRNA splicing, which may result in an abnormal transcript and altered protein product. This variant is expected to result in nonsense mediated decay, truncation, or a dysfunctional protein product. This variant is rare in the general population with a frequency below the threshold expected for the associated phenotype(s). Given the available evidence, this variant is classified as Likely Pathogenic.

NM_004006.3(DMD):c.1993-2A>T

Gene: DMD (dystrophin; minus strand). Cytogenetic location: Xp21.1.
Variant type: single nucleotide variant.
Coding change: c.1993-2A>T on transcript NM_004006.3 (MANE Select); the canonical splice acceptor site of the intron before coding-DNA position 1993, A replaced by T.
Molecular consequence: splice acceptor variant.
Genome position (GRCh38, 1-based): chrX:32,545,336, T>A on the plus strand (A>T on the coding strand, the complement: DMD is on the minus strand). VCF-style: chrX-32545336-T-A. GRCh37 (hg19) VCF-style: chrX-32563453-T-A.
Other names: c.1969-2A>T (NM_000109.4); c.1981-2A>T (NM_004009.3); c.1624-2A>T (NM_004010.3).
Identifiers: ClinVar variation 4815302 (VCV004815302.1).
Genomic context (GRCh38, chrX:32,545,336, plus strand): 5'-GTTTCCATTACAGTTGTCTGTGTTAGTGATGGCTGAGTGGTGGTGACAGCCTGTGAAATC[T>A]GTGAGAAGTATTGAAACAGAGGTCAGACATTGCTAGAAAGACTTCAGTAAAGACTGCTTG-3'